The following is an entry in ClinVar:

ClinVar aggregate classification (germline): Uncertain significance. Review status: criteria provided, multiple submitters, no conflicts (2 of 4 stars). 2 submissions from 2 submitters: Uncertain significance (2). Last evaluated 2022-10-24.

Conditions:
Congenital dyserythropoietic anemia, type I. Also called: Dyserythropoietic anemia, congenital type 1. Identifiers: Orphanet 98869, MedGen C0271933, MONDO:0020337. Disease mechanism: loss of function.

Allele frequency attached by ClinVar (database versions not stated): gnomAD exomes 0.00009 and 0.00016; gnomAD 0.00011 and 0.00012; TOPMed 0.00015; ExAC 0.00019.

Submissions (2):

Labcorp Genetics (formerly Invitae), Labcorp
Classification: Uncertain significance. Last evaluated: 2022-10-24. Review status: criteria provided, single submitter. Criteria: Invitae Variant Classification Sherloc (09022015). Collection method: clinical testing. Allele origin: germline.
Comment: This sequence change affects codon 1089 of the CDAN1 mRNA. It is a 'silent' change, meaning that it does not change the encoded amino acid sequence of the CDAN1 protein. It affects a nucleotide within the consensus splice site. This variant is present in population databases (rs778218831, gnomAD 0.06%). This variant has not been reported in the literature in individuals affected with CDAN1-related conditions. ClinVar contains an entry for this variant (Variation ID: 885085). Algorithms developed to predict the effect of sequence changes on RNA splicing suggest that this variant may disrupt the consensus splice site. In summary, the available evidence is currently insufficient to determine the role of this variant in disease. Therefore, it has been classified as a Variant of Uncertain Significance.

Illumina Laboratory Services, Illumina
Classification: Uncertain significance for Anemia, congenital dyserythropoietic, type 1a. Last evaluated: 2018-01-13. Review status: criteria provided, single submitter. Criteria: ICSL Variant Classification Criteria 13 December 2019. Collection method: clinical testing. Allele origin: germline.

NM_138477.4(CDAN1):c.3267C>T (p.Leu1089=)

Gene: CDAN1 (codanin 1; minus strand). Cytogenetic location: 15q15.2.
Variant type: single nucleotide variant.
Coding change: c.3267C>T on transcript NM_138477.4 (MANE Select); coding-DNA position 3267, C replaced by T.
Protein change: p.Leu1089=; no amino-acid change (leucine 1089 retained).
Molecular consequence: synonymous variant.
Genome position (GRCh38, 1-based): chr15:42,726,098, G>A on the plus strand (C>T on the coding strand, the complement: CDAN1 is on the minus strand). VCF-style: chr15-42726098-G-A. GRCh37 (hg19) VCF-style: chr15-43018296-G-A.
Identifiers: ClinVar variation 885085 (VCV000885085.8), dbSNP rs778218831, ClinGen allele CA7515211.